The following is an entry in ClinVar:

NM_182493.3(MYLK3):c.1661G>C (p.Arg554Pro)

Gene: MYLK3 (myosin light chain kinase 3; minus strand). Cytogenetic location: 16q11.2.
Variant type: single nucleotide variant.
Coding change: c.1661G>C on transcript NM_182493.3 (MANE Select); coding-DNA position 1661, G replaced by C.
Protein change: p.Arg554Pro; replaces arginine 554 with proline.
Molecular consequence: missense variant.
Genome position (GRCh38, 1-based): chr16:46,729,595, C>G on the plus strand (G>C on the coding strand, the complement: MYLK3 is on the minus strand). VCF-style: chr16-46729595-C-G. GRCh37 (hg19) VCF-style: chr16-46763507-C-G.
Other names: c.638G>C, p.Arg213Pro (NM_001308301.1); short protein forms R554P, R213P.
Identifiers: ClinVar variation 2530009 (VCV002530009.3), dbSNP rs1378535505, ClinGen allele CA395790931.

ClinVar aggregate classification (germline): Uncertain significance. Review status: criteria provided, multiple submitters, no conflicts (2 of 4 stars). 2 submissions from 2 submitters: Uncertain significance (2). Last evaluated 2025-04-20.

gnomAD v4.1: 9 of 1,613,480 alleles (0.00056%); highest among the groups gnomAD compares: Non-Finnish European, 0.00068%; no homozygotes.

Submissions (2):

Labcorp Genetics (formerly Invitae), Labcorp
Classification: Uncertain significance. Last evaluated: 2025-04-20. Review status: criteria provided, single submitter. Criteria: Invitae Variant Classification Sherloc (09022015). Collection method: clinical testing. Allele origin: germline.
Comment: This sequence change replaces arginine, which is basic and polar, with proline, which is neutral and non-polar, at codon 554 of the MYLK3 protein (p.Arg554Pro). This variant is not present in population databases (gnomAD no frequency). This variant has not been reported in the literature in individuals affected with MYLK3-related conditions. ClinVar contains an entry for this variant (Variation ID: 2530009). An algorithm developed to predict the effect of missense changes on protein structure and function (PolyPhen-2) suggests that this variant is likely to be disruptive. In summary, the available evidence is currently insufficient to determine the role of this variant in disease. Therefore, it has been classified as a Variant of Uncertain Significance.

Ambry Genetics
Classification: Uncertain significance. Last evaluated: 2023-03-27. Review status: criteria provided, single submitter. Criteria: Ambry Variant Classification Scheme 2023. Collection method: clinical testing. Allele origin: germline.